The following is an entry in ClinVar:

ClinVar aggregate classification (germline): Uncertain significance (1 of 4 stars; one submission).

Allele frequency attached by ClinVar (database versions not stated): TOPMed below 0.00001; gnomAD exomes 0.00001 and 0.00002; ExAC 0.00002.
gnomAD v4.1: 12 of 1,614,106 alleles (0.00074%); highest among the groups gnomAD compares: East Asian, 0.0022%; no homozygotes.

Submission:

Labcorp Genetics (formerly Invitae), Labcorp
Classification: Uncertain significance. Last evaluated: 2022-10-28. Review status: criteria provided, single submitter. Criteria: Invitae Variant Classification Sherloc (09022015). Collection method: clinical testing. Allele origin: germline.
Comment: This sequence change replaces arginine, which is basic and polar, with cysteine, which is neutral and slightly polar, at codon 1227 of the NLRP1 protein (p.Arg1227Cys). This variant is present in population databases (rs202200247, gnomAD 0.003%). This variant has not been reported in the literature in individuals affected with NLRP1-related conditions. ClinVar contains an entry for this variant (Variation ID: 1460810). Algorithms developed to predict the effect of missense changes on protein structure and function (SIFT, PolyPhen-2, Align-GVGD) all suggest that this variant is likely to be tolerated. In summary, the available evidence is currently insufficient to determine the role of this variant in disease. Therefore, it has been classified as a Variant of Uncertain Significance.

NM_033004.4(NLRP1):c.3679C>T (p.Arg1227Cys)

Gene: NLRP1 (NLR family pyrin domain containing 1; minus strand). Cytogenetic location: 17p13.2.
Variant type: single nucleotide variant.
Coding change: c.3679C>T on transcript NM_033004.4 (MANE Select); coding-DNA position 3679, C replaced by T.
Protein change: p.Arg1227Cys; replaces arginine 1227 with cysteine.
Molecular consequence: missense variant.
Genome position (GRCh38, 1-based): chr17:5,521,628, G>A on the plus strand (C>T on the coding strand, the complement: NLRP1 is on the minus strand). VCF-style: chr17-5521628-G-A. GRCh37 (hg19) VCF-style: chr17-5424948-G-A.
Other names: c.3691C>T, p.Arg1231Cys (NM_001033053.3); c.3679C>T, p.Arg1227Cys (NM_014922.5); c.3589C>T, p.Arg1197Cys (NM_033006.4, NM_033007.4); short protein forms R1231C, R1227C, R1197C.
Identifiers: ClinVar variation 1460810 (VCV001460810.8), dbSNP rs202200247, ClinGen allele CA8326769.
Genomic context (GRCh38, chr17:5,521,628, plus strand): 5'-TGACTTCCTCAGGATGGACGCGGTGGTAAAGCAACACCACAGAGGTGACGGGAATGAAGC[G>A]CAGGGCATTATGGATCATTTTCAGGAGGACTCCCAAGGGGGAGAAGCTGGGGTTTTCCAG-3'
Protein context (NP_127497.1, residues 1217-1237): VLLKMIHNAL[Arg1227Cys]FIPVTSVVLL